The following is an entry in ClinVar:

ClinVar aggregate classification (germline): Uncertain significance (1 of 4 stars; one submission).

Submission:

CeGaT Center for Human Genetics Tuebingen
Classification: Uncertain significance. Last evaluated: 2026-08-01. Review status: criteria provided, single submitter. Criteria: CeGaT Center For Human Genetics Tuebingen Variant Classification Criteria Version 2. Collection method: clinical testing. Allele origin: germline. Affected: yes. Observed: 1 variant allele.
Comment: CDH2: PM2

NM_001792.5(CDH2):c.1726C>T (p.Leu576Phe)

Gene: CDH2 (cadherin 2; minus strand). Cytogenetic location: 18q12.1.
Variant type: single nucleotide variant.
Coding change: c.1726C>T on transcript NM_001792.5 (MANE Select); coding-DNA position 1726, C replaced by T.
Protein change: p.Leu576Phe; replaces leucine 576 with phenylalanine.
Molecular consequence: missense variant.
Genome position (GRCh38, 1-based): chr18:27,988,539, G>A on the plus strand (C>T on the coding strand, the complement: CDH2 is on the minus strand). VCF-style: chr18-27988539-G-A. GRCh37 (hg19) VCF-style: chr18-25568503-G-A.
Other names: c.1633C>T, p.Leu545Phe (NM_001308176.2); short protein forms L545F, L576F.
Identifiers: ClinVar variation 5039948 (VCV005039948.1).